The following is an entry in ClinVar:

ClinVar aggregate classification (germline): Uncertain significance (1 of 4 stars; one submission).

Conditions:
Neuroblastoma, susceptibility to, 3. Also called: ALK-Related Neuroblastic Tumor Susceptibility. Identifiers: Orphanet 635, MedGen C2751681, MONDO:0013083, OMIM 613014.

Submission:

Labcorp Genetics (formerly Invitae), Labcorp
Classification: Uncertain significance for Neuroblastoma, susceptibility to, 3. Last evaluated: 2020-07-15. Review status: criteria provided, single submitter. Criteria: Invitae Variant Classification Sherloc (09022015). Collection method: clinical testing. Allele origin: germline.
Comment: In summary, the available evidence is currently insufficient to determine the role of this variant in disease. Therefore, it has been classified as a Variant of Uncertain Significance. Nucleotide substitutions within the consensus splice site are a relatively common cause of aberrant splicing (PMID: 17576681, 9536098). Algorithms developed to predict the effect of sequence changes on RNA splicing suggest that this variant may disrupt the consensus splice site, but this prediction has not been confirmed by published transcriptional studies. This variant has not been reported in the literature in individuals with ALK-related conditions. This variant is not present in population databases (ExAC no frequency). This sequence change falls in intron 19 of the ALK gene. It does not directly change the encoded amino acid sequence of the ALK protein, but it affects a nucleotide within the consensus splice site of the intron.

Literature cited by the submitters: PubMed 17576681; PubMed 9536098.

NM_004304.5(ALK):c.3173-3C>G

Gene: ALK (ALK receptor tyrosine kinase; minus strand). Cytogenetic location: 2p23.2.
Variant type: single nucleotide variant.
Coding change: c.3173-3C>G on transcript NM_004304.5 (MANE Select); 3 bases into the intron before coding-DNA position 3173, C replaced by G.
Molecular consequence: intron variant. On other transcripts: 5 prime UTR variant (1).
Genome position (GRCh38, 1-based): chr2:29,223,531, G>C on the plus strand (C>G on the coding strand, the complement: ALK is on the minus strand). VCF-style: chr2-29223531-G-C. GRCh37 (hg19) VCF-style: chr2-29446397-G-C.
Other names: c.-35C>G (NM_001353765.2).
Identifiers: ClinVar variation 1042145 (VCV001042145.8), dbSNP rs898517103, ClinGen allele CA1241091107.